The following is an entry in ClinVar:

ClinVar aggregate classification (germline): Benign/Likely benign. Review status: criteria provided, multiple submitters, no conflicts (2 of 4 stars). 7 submissions from 7 submitters: Benign (3); Likely benign (3). 1 of the submissions does not count toward it. Last evaluated 2026-01-25.

Conditions:
Inborn genetic diseases. Identifiers: MedGen C0950123, MeSH D030342.
Hereditary spastic paraplegia 47. Also called: Spastic paraplegia 47, autosomal recessive; adaptor protein 4 (AP-4) deficiency syndrome; CEREBRAL PALSY, SPASTIC QUADRIPLEGIC, 5. Identifiers: Orphanet 280763, MedGen C3279738, MONDO:0013551, OMIM 614066.

Allele frequency attached by ClinVar (database versions not stated): ESP Exome Variant Server 0.00484; gnomAD 0.00495 and 0.00525; gnomAD exomes 0.00054 and 0.00138; ExAC 0.00169; TOPMed 0.00595; 1000 Genomes Project 0.00679; 1000 Genomes Project 30x 0.00828.

Submissions (7):

Labcorp Genetics (formerly Invitae), Labcorp
Classification: Benign for Hereditary spastic paraplegia 47. Last evaluated: 2026-01-25. Review status: criteria provided, single submitter. Criteria: Invitae Variant Classification Sherloc (09022015). Collection method: clinical testing. Allele origin: germline.

Mayo Clinic Laboratories, Mayo Clinic
Classification: Benign. Last evaluated: 2025-01-13. Review status: criteria provided, single submitter. Criteria: ACMG Guidelines, 2015. Collection method: clinical testing. Allele origin: germline. Observed: 1 variant allele.
Comment: BS1, BS2, BP4, BP7

Genome-Nilou Lab
Classification: Likely benign for Hereditary spastic paraplegia 47. Last evaluated: 2023-04-11. Review status: criteria provided, single submitter. Criteria: ACMG Guidelines, 2015. Collection method: clinical testing. Allele origin: germline. Affected: no.

GeneDx
Classification: Likely benign. Last evaluated: 2019-12-26. Review status: criteria provided, single submitter. Criteria: GeneDx Variant Classification Process June 2021. Collection method: clinical testing. Allele origin: germline. Affected: yes.

Center for Pediatric Genomic Medicine, Children's Mercy Hospital and Clinics
Classification: Likely benign. Last evaluated: 2017-05-30. Review status: criteria provided, single submitter. Criteria: ACMG Guidelines, 2015. Collection method: clinical testing. Allele origin: germline.

Ambry Genetics
Classification: Benign for Inborn genetic diseases. Last evaluated: 2016-05-11. Review status: criteria provided, single submitter. Criteria: Ambry Variant Classification Scheme 2023. Collection method: clinical testing. Allele origin: germline.

Genetic Services Laboratory, University of Chicago
Classification: Likely benign. Review status: no assertion criteria provided. Collection method: clinical testing. Allele origin: germline. Inheritance: Autosomal recessive inheritance. Not counted in ClinVar's aggregate classification.
Comment: Likely benign based on allele frequency in 1000 Genomes Project or ESP global frequency and its presence in a patient with a rare or unrelated disease phenotype. NOT Sanger confirmed

NM_001253852.3(AP4B1):c.240A>G (p.Pro80=)

Gene: AP4B1 (adaptor related protein complex 4 subunit beta 1; minus strand). Cytogenetic location: 1p13.2.
Variant type: single nucleotide variant.
Coding change: c.240A>G on transcript NM_001253852.3 (MANE Select); coding-DNA position 240, A replaced by G.
Protein change: p.Pro80=; no amino-acid change (proline 80 retained).
Molecular consequence: synonymous variant. On other transcripts: splice acceptor variant (1), intron variant (1).
Genome position (GRCh38, 1-based): chr1:113,902,736, T>C on the plus strand (A>G on the coding strand, the complement: AP4B1 is on the minus strand). VCF-style: chr1-113902736-T-C. GRCh37 (hg19) VCF-style: chr1-114445358-T-C.
Other names: p.Pro80=; c.240A>G, p.Pro80= (NM_006594.5); c.-56-2A>G (NM_001253853.3); c.113+1869A>G (NM_001308312.2).
Identifiers: ClinVar variation 157720 (VCV000157720.25), dbSNP rs34249695, ClinGen allele CA171111.